The following is an entry in ClinVar:

NM_001943.5(DSG2):c.1013A>T (p.Lys338Met)

Gene: DSG2 (desmoglein 2; plus strand). Cytogenetic location: 18q12.1.
Variant type: single nucleotide variant.
Coding change: c.1013A>T on transcript NM_001943.5 (MANE Select); coding-DNA position 1013, A replaced by T.
Protein change: p.Lys338Met; replaces lysine 338 with methionine.
Molecular consequence: missense variant.
Genome position (GRCh38, 1-based): chr18:31,524,887, A>T. VCF-style: chr18-31524887-A-T. GRCh37 (hg19) VCF-style: chr18-29104850-A-T.
Other names: short protein forms K338M.
Identifiers: ClinVar variation 1309112 (VCV001309112.9), dbSNP rs1454000095, ClinGen allele CA402136035.
Genomic context (GRCh38, chr18:31,524,887, plus strand): 5'-GAGGTTATTTCCACATAGAAACAGATGCTCAAACTAACGAAGGAATTGTGACCCTTATTA[A>T]GGTAAGTACTAAGTATTCAAAACTGGCGTGGGCCAAGTTGGTGCTGGAAAGGAATCTAAT-3'
Protein context (NP_001934.2, residues 328-348): QTNEGIVTLI[Lys338Met]EVDYEEMKNL

ClinVar aggregate classification (germline): Uncertain significance. Review status: criteria provided, multiple submitters, no conflicts (2 of 4 stars). 5 submissions from 5 submitters: Uncertain significance (5). Last evaluated 2024-08-21.

Conditions:
Arrhythmogenic right ventricular cardiomyopathy (ARVD). Also called: Cardiomyopathy, ARVC; Arrhythmogenic right ventricular dysplasia; Arrhythmogenic Right Ventricular Cardiomyopathy (ARVC); Arrhythmogenic cardiomyopathy. Identifiers: Orphanet 247, MedGen C0349788, MeSH D019571, MONDO:0016587. Disease mechanism: loss of function. Inheritance: Various modes of inheritance.
Cardiovascular phenotype. Identifiers: MedGen CN230736.
Arrhythmogenic right ventricular dysplasia 10. Also called: Arrhythmogenic right ventricular dysplasia/cardiomyopathy, type 10; Arrhythmogenic Right Ventricular Dysplasia/Cardiomyopathy10; ARRHYTHMOGENIC RIGHT VENTRICULAR DYSPLASIA, FAMILIAL, 10. Identifiers: MedGen C1857777, MONDO:0012434, OMIM 610193.
Dilated cardiomyopathy 1BB (CMD1BB). Also called: CARDIOMYOPATHY, DILATED, 1BB, SUSCEPTIBILITY TO. Identifiers: Orphanet 154, MedGen C2752072, MONDO:0013030, OMIM 612877.

Allele frequency attached by ClinVar (database versions not stated): gnomAD exomes below 0.00001; gnomAD 0.00001.
gnomAD v4.1: 3 of 1,614,034 alleles (0.00019%); highest among the groups gnomAD compares: Admixed American, 0.005%; no homozygotes.

Submissions (5):

Labcorp Genetics (formerly Invitae), Labcorp
Classification: Uncertain significance for Arrhythmogenic right ventricular dysplasia 10. Last evaluated: 2024-08-21. Review status: criteria provided, single submitter. Criteria: Invitae Variant Classification Sherloc (09022015). Collection method: clinical testing. Allele origin: germline.
Comment: This sequence change replaces lysine, which is basic and polar, with methionine, which is neutral and non-polar, at codon 338 of the DSG2 protein (p.Lys338Met). This variant is present in population databases (no rsID available, gnomAD 0.003%). This variant has not been reported in the literature in individuals affected with DSG2-related conditions. ClinVar contains an entry for this variant (Variation ID: 1309112). An algorithm developed to predict the effect of missense changes on protein structure and function (PolyPhen-2) suggests that this variant is likely to be disruptive. In summary, the available evidence is currently insufficient to determine the role of this variant in disease. Therefore, it has been classified as a Variant of Uncertain Significance.

All of Us Research Program, National Institutes of Health
Classification: Uncertain significance for Arrhythmogenic right ventricular cardiomyopathy. Last evaluated: 2023-11-28. Review status: criteria provided, single submitter. Criteria: ACMG Guidelines, 2015. Collection method: clinical testing. Allele origin: germline. Inheritance: Autosomal dominant inheritance. Observed: 1 variant allele, 1 heterozygote.
Comment: This study involves interpretation of variants in research participants for the purpose of population health screening. Participant phenotype was not available at the time of variant classification. Additional details can be found in publication PMID: 35346344, PMCID: PMC8962531

Ambry Genetics
Classification: Uncertain significance for Cardiovascular phenotype. Last evaluated: 2023-02-16. Review status: criteria provided, single submitter. Criteria: Ambry Variant Classification Scheme 2023. Collection method: clinical testing. Allele origin: germline.
Comment: The p.K338M variant (also known as c.1013A>T), located in coding exon 8 of the DSG2 gene, results from an A to T substitution at nucleotide position 1013. The lysine at codon 338 is replaced by methionine, an amino acid with similar properties. This amino acid position is conserved. In addition, the in silico prediction for this alteration is inconclusive. Since supporting evidence is limited at this time, the clinical significance of this alteration remains unclear.

Fulgent Genetics
Classification: Uncertain significance for Arrhythmogenic right ventricular dysplasia 10; Dilated cardiomyopathy 1BB. Last evaluated: 2021-07-29. Review status: criteria provided, single submitter. Criteria: ACMG Guidelines, 2015. Collection method: clinical testing. Allele origin: unknown.

GeneDx
Classification: Uncertain significance. Last evaluated: 2019-10-08. Review status: criteria provided, single submitter. Criteria: GeneDx Variant Classification Process June 2021. Collection method: clinical testing. Allele origin: germline. Affected: yes.
Comment: Has not been previously published as pathogenic or benign to our knowledge; Not observed at a significant frequency in large population cohorts (Lek et al., 2016); In silico analysis, which includes protein predictors and evolutionary conservation, supports a deleterious effect